The following is an entry in ClinVar:

NM_000051.4(ATM):c.8644T>C (p.Ser2882Pro)

Genes: ATM (ATM serine/threonine kinase; plus strand), C11orf65 (chromosome 11 open reading frame 65; minus strand). Cytogenetic location: 11q22.3.
Variant type: single nucleotide variant.
Coding change: c.8644T>C on transcript NM_000051.4 (MANE Select); coding-DNA position 8644, T replaced by C.
Protein change: p.Ser2882Pro; replaces serine 2882 with proline.
Molecular consequence: missense variant. On other transcripts: intron variant (2).
Genome position (GRCh38, 1-based): chr11:108,347,338, T>C. VCF-style: chr11-108347338-T-C. GRCh37 (hg19) VCF-style: chr11-108218065-T-C.
Other names: c.8644T>C, p.Ser2882Pro (NM_001351834.2); c.641-38267A>G (NM_001330368.2); c.695-12046A>G (NM_001351110.2); short protein forms S2882P.
Identifiers: ClinVar variation 2692677 (VCV002692677.3), dbSNP rs2137083529, ClinGen allele CA382520989.

ClinVar aggregate classification (germline): Uncertain significance (1 of 4 stars; one submission).

Conditions:
Ataxia-telangiectasia syndrome (AT). Also called: LOUIS-BAR SYNDROME; Cerebello-oculocutaneous telangiectasia; Immunodeficiency with ataxia telangiectasia; Ataxia telangiectasia (A-T); Ataxia-telangiectasia, complementation group D; AT, COMPLEMENTATION GROUP C. Identifiers: Orphanet 100, MedGen C0004135, MONDO:0008840, OMIM 208900.

Submission:

Labcorp Genetics (formerly Invitae), Labcorp
Classification: Uncertain significance for Ataxia-telangiectasia syndrome. Last evaluated: 2023-11-02. Review status: criteria provided, single submitter. Criteria: Invitae Variant Classification Sherloc (09022015). Collection method: clinical testing. Allele origin: germline.
Comment: This sequence change replaces serine, which is neutral and polar, with proline, which is neutral and non-polar, at codon 2882 of the ATM protein (p.Ser2882Pro). This variant is not present in population databases (gnomAD no frequency). This variant has not been reported in the literature in individuals affected with ATM-related conditions. An algorithm developed to predict the effect of missense changes on protein structure and function (PolyPhen-2) suggests that this variant is likely to be disruptive. In summary, the available evidence is currently insufficient to determine the role of this variant in disease. Therefore, it has been classified as a Variant of Uncertain Significance.